The following is an entry in ClinVar:

NM_007194.4(CHEK2):c.939G>A (p.Val313=)

Gene: CHEK2 (checkpoint kinase 2; minus strand). Cytogenetic location: 22q12.1.
Variant type: single nucleotide variant.
Coding change: c.939G>A on transcript NM_007194.4 (MANE Select); coding-DNA position 939, G replaced by A.
Protein change: p.Val313=; no amino-acid change (valine 313 retained).
Molecular consequence: synonymous variant.
Genome position (GRCh38, 1-based): chr22:28,699,907, C>T on the plus strand (G>A on the coding strand, the complement: CHEK2 is on the minus strand). VCF-style: chr22-28699907-C-T. GRCh37 (hg19) VCF-style: chr22-29095895-C-T.
Other names: c.1068G>A, p.Val356= (NM_001005735.3); c.276G>A, p.Val92= (NM_001257387.3); c.738G>A, p.Val246= (NM_001349956.3); c.939G>A, p.Val313= (NM_145862.3).
Identifiers: ClinVar variation 460865 (VCV000460865.12), dbSNP rs1555915485, ClinGen allele CA513945048.

ClinVar aggregate classification (germline): Benign/Likely benign. Review status: criteria provided, multiple submitters, no conflicts (2 of 4 stars). 3 submissions from 3 submitters: Benign (1); Likely benign (2). Last evaluated 2024-10-04.

Conditions:
Hereditary cancer-predisposing syndrome. Also called: Neoplastic Syndromes, Hereditary; Hereditary Cancer Syndrome; Hereditary neoplastic syndrome; Tumor predisposition. Identifiers: Orphanet 140162, MedGen C0027672, MeSH D009386, MONDO:0015356.
Familial cancer of breast. Also called: BREAST CANCER, FAMILIAL; Hereditary breast cancer; hereditary breast carcinoma. Identifiers: Orphanet 227535, MedGen C0346153, MONDO:0016419, OMIM 114480. Disease mechanism: loss of function.

Submissions (3):

Myriad Genetics, Inc.
Classification: Benign for Familial cancer of breast. Last evaluated: 2024-10-04. Review status: criteria provided, single submitter. Criteria: Myriad Autosomal Dominant, Autosomal Recessive and X-Linked Classification Criteria (2023). Collection method: clinical testing. Allele origin: unknown.
Comment: This variant is considered benign. This variant is a silent/synonymous amino acid change and it is not expected to impact splicing.

Ambry Genetics
Classification: Likely benign for Hereditary cancer-predisposing syndrome. Last evaluated: 2023-04-16. Review status: criteria provided, single submitter. Criteria: Ambry Variant Classification Scheme 2023. Collection method: clinical testing. Allele origin: germline.

Labcorp Genetics (formerly Invitae), Labcorp
Classification: Likely benign for Familial cancer of breast. Last evaluated: 2017-04-05. Review status: criteria provided, single submitter. Criteria: Invitae Variant Classification Sherloc (09022015). Collection method: clinical testing. Allele origin: germline.